The following is an entry in ClinVar:

ClinVar aggregate classification (germline): Uncertain significance (1 of 4 stars; one submission).

Submission:

GeneDx
Classification: Uncertain significance. Last evaluated: 2024-05-14. Review status: criteria provided, single submitter. Criteria: GeneDx Variant Classification Process June 2021. Collection method: clinical testing. Allele origin: germline. Affected: yes.
Comment: Not observed at significant frequency in large population cohorts (gnomAD); In silico analysis supports that this missense variant has a deleterious effect on protein structure/function; Has not been previously published as pathogenic or benign to our knowledge

NM_032217.5(ANKRD17):c.2569G>A (p.Glu857Lys)

Gene: ANKRD17 (ankyrin repeat domain 17; minus strand). Cytogenetic location: 4q13.3.
Variant type: single nucleotide variant.
Coding change: c.2569G>A on transcript NM_032217.5 (MANE Select); coding-DNA position 2569, G replaced by A.
Protein change: p.Glu857Lys; replaces glutamic acid 857 with lysine.
Molecular consequence: missense variant. On other transcripts: intron variant (1).
Genome position (GRCh38, 1-based): chr4:73,140,047, C>T on the plus strand (G>A on the coding strand, the complement: ANKRD17 is on the minus strand). VCF-style: chr4-73140047-C-T. GRCh37 (hg19) VCF-style: chr4-74005764-C-T.
Other names: c.2230G>A, p.Glu744Lys (NM_001286771.3); c.2569G>A, p.Glu857Lys (NM_015574.2); c.2332+1694G>A (NM_198889.3); short protein forms E744K, E857K.
Identifiers: ClinVar variation 3377847 (VCV003377847.1).